The following is an entry in ClinVar:

NM_005592.4(MUSK):c.1277T>A (p.Met426Lys)

Gene: MUSK (muscle associated receptor tyrosine kinase; plus strand). Cytogenetic location: 9q31.3.
Variant type: single nucleotide variant.
Coding change: c.1277T>A on transcript NM_005592.4 (MANE Select); coding-DNA position 1277, T replaced by A.
Protein change: p.Met426Lys; replaces methionine 426 with lysine.
Molecular consequence: missense variant.
Genome position (GRCh38, 1-based): chr9:110,775,880, T>A. VCF-style: chr9-110775880-T-A. GRCh37 (hg19) VCF-style: chr9-113538160-T-A.
Other names: c.1043T>A, p.Met348Lys (NM_001166280.2); c.1013T>A, p.Met338Lys (NM_001166281.2); c.41T>A, p.Met14Lys (NM_001369398.1); c.1277T>A (NM_005592.3); short protein forms M14K, M338K, M348K, M426K.
Identifiers: ClinVar variation 1022102 (VCV001022102.11), dbSNP rs368044285, ClinGen allele CA374473194.

ClinVar aggregate classification (germline): Uncertain significance. Review status: criteria provided, multiple submitters, no conflicts (2 of 4 stars). 2 submissions from 2 submitters: Uncertain significance (2). Last evaluated 2024-01-13.

Conditions:
Fetal akinesia deformation sequence 1 (FADS1). Also called: Fetal akinesia sequence; Pena-Shokeir syndrome type I. Identifiers: Orphanet 994, MedGen C1276035, MONDO:0100101, OMIM 208150, HP:0001989.
Congenital myasthenic syndrome 9. Also called: Myasthenic syndrome, congenital, 9, associated with acetylcholine receptor deficiency. Identifiers: Orphanet 590, MedGen C4225368, MONDO:0014587, OMIM 616325.

Submissions (2):

Labcorp Genetics (formerly Invitae), Labcorp
Classification: Uncertain significance for Congenital myasthenic syndrome 9; Fetal akinesia deformation sequence 1. Last evaluated: 2024-01-13. Review status: criteria provided, single submitter. Criteria: Invitae Variant Classification Sherloc (09022015). Collection method: clinical testing. Allele origin: germline.
Comment: This sequence change replaces methionine, which is neutral and non-polar, with lysine, which is basic and polar, at codon 426 of the MUSK protein (p.Met426Lys). This variant is not present in population databases (gnomAD no frequency). This variant has not been reported in the literature in individuals affected with MUSK-related conditions. ClinVar contains an entry for this variant (Variation ID: 1022102). Advanced modeling of protein sequence and biophysical properties (such as structural, functional, and spatial information, amino acid conservation, physicochemical variation, residue mobility, and thermodynamic stability) performed at Invitae indicates that this missense variant is not expected to disrupt MUSK protein function with a negative predictive value of 95%. In summary, the available evidence is currently insufficient to determine the role of this variant in disease. Therefore, it has been classified as a Variant of Uncertain Significance.

Revvity Omics, Revvity
Classification: Uncertain significance. Last evaluated: 2019-10-09. Review status: criteria provided, single submitter. Criteria: ACMG Guidelines, 2015. Collection method: clinical testing. Allele origin: germline.